The following is an entry in ClinVar:

ClinVar aggregate classification (germline): Uncertain significance (1 of 4 stars; one submission).

gnomAD v4.1: 15 of 1,613,916 alleles (0.00093%); highest among the groups gnomAD compares: African/African-American, 0.0053%; no homozygotes.

Submission:

GeneDx
Classification: Uncertain significance. Last evaluated: 2025-05-28. Review status: criteria provided, single submitter. Criteria: GeneDx Variant Classification Process June 2021. Collection method: clinical testing. Allele origin: germline. Affected: yes.
Comment: Nonsense variant predicted to result in protein truncation or nonsense mediated decay in a gene for which loss of function is a known mechanism of disease; Has not been previously published as pathogenic or benign to our knowledge

NM_014738.6(TMEM94):c.1396C>T (p.Arg466Ter)

Gene: TMEM94 (transmembrane protein 94; plus strand). Cytogenetic location: 17q25.1.
Variant type: single nucleotide variant.
Coding change: c.1396C>T on transcript NM_014738.6 (MANE Select); coding-DNA position 1396, C replaced by T.
Protein change: p.Arg466Ter; replaces arginine 466 with a stop codon.
Molecular consequence: nonsense.
Genome position (GRCh38, 1-based): chr17:75,491,700, C>T. VCF-style: chr17-75491700-C-T. GRCh37 (hg19) VCF-style: chr17-73487781-C-T.
Other names: c.1426C>T, p.Arg476Ter (NM_001321148.2, NM_001351203.2, NM_001438846.1); c.1408C>T, p.Arg470Ter (NM_001321149.2, NM_001438842.1, NM_001438845.1 and 1 more transcripts); c.1396C>T, p.Arg466Ter (NM_001351202.2, NM_001438841.1, NM_001438844.1 and 1 more transcripts); c.1438C>T, p.Arg480Ter (NM_001438843.1); short protein forms R466*, R470*, R476*, R480*.
Identifiers: ClinVar variation 4532357 (VCV004532357.1).